The following is an entry in ClinVar:

NM_001673.5(ASNS):c.209T>A (p.Leu70Ter)

Genes: ASNS (asparagine synthetase (glutamine-hydrolyzing); minus strand), CZ1P-ASNS (CZ1P-ASNS readthrough; minus strand). Cytogenetic location: 7q21.3.
Variant type: single nucleotide variant.
Coding change: c.209T>A on transcript NM_001673.5 (MANE Select); coding-DNA position 209, T replaced by A.
Protein change: p.Leu70Ter; replaces leucine 70 with a stop codon.
Molecular consequence: nonsense. On other transcripts: non-coding transcript variant (1), intron variant (2).
Genome position (GRCh38, 1-based): chr7:97,868,948, A>T on the plus strand (T>A on the coding strand, the complement: ASNS is on the minus strand). VCF-style: chr7-97868948-A-T. GRCh37 (hg19) VCF-style: chr7-97498260-A-T.
Other names: c.146T>A, p.Leu49Ter (NM_001178075.2); c.209T>A, p.Leu70Ter (NM_001352496.2, NM_133436.3, NM_183356.4); c.-1+3403T>A (NM_001178076.2); c.-1+3093T>A (NM_001178077.1); short protein forms L49*, L70*.
Identifiers: ClinVar variation 1455131 (VCV001455131.6), dbSNP rs2115753236, ClinGen allele CA368273871.

ClinVar aggregate classification (germline): Pathogenic (1 of 4 stars; one submission).

Submission:

Labcorp Genetics (formerly Invitae), Labcorp
Classification: Pathogenic. Last evaluated: 2021-06-12. Review status: criteria provided, single submitter. Criteria: Invitae Variant Classification Sherloc (09022015). Collection method: clinical testing. Allele origin: germline.
Comment: For these reasons, this variant has been classified as Pathogenic. This variant has not been reported in the literature in individuals with ASNS-related conditions. This variant is not present in population databases (ExAC no frequency). This sequence change creates a premature translational stop signal (p.Leu70*) in the ASNS gene. It is expected to result in an absent or disrupted protein product. Loss-of-function variants in ASNS are known to be pathogenic (PMID: 27422383, 30057589).

Literature cited by the submitters: PubMed 27422383; PubMed 30057589.